The following is an entry in ClinVar:

ClinVar aggregate classification (germline): Uncertain significance. Review status: criteria provided, multiple submitters, no conflicts (2 of 4 stars). 3 submissions from 3 submitters: Uncertain significance (3). Last evaluated 2025-03-28.

Conditions:
Primary ciliary dyskinesia 18. Also called: CILIARY DYSKINESIA, PRIMARY, 18, WITH OR WITHOUT SITUS INVERSUS. Identifiers: Orphanet 244, MedGen C3543825, MONDO:0013940, OMIM 614874.
Primary ciliary dyskinesia. Also called: Ciliary dyskinesia. Identifiers: Orphanet 244, MedGen C0008780, MONDO:0016575, HP:0012265.

Allele frequency attached by ClinVar (database versions not stated): TOPMed 0.00004; gnomAD 0.00005 and 0.00006; 1000 Genomes Project 30x 0.00031; 1000 Genomes Project 0.00040.
gnomAD v4.1: 135 of 1,612,602 alleles (0.0084%); highest among the groups gnomAD compares: East Asian, 0.038%; no homozygotes.

Submissions (3):

Mayo Clinic Laboratories, Mayo Clinic
Classification: Uncertain significance. Last evaluated: 2025-03-28. Review status: criteria provided, single submitter. Criteria: ACMG Guidelines, 2015. Collection method: clinical testing. Allele origin: germline. Observed: 1 variant allele.
Comment: BP4_moderate

Labcorp Genetics (formerly Invitae), Labcorp
Classification: Uncertain significance for Primary ciliary dyskinesia. Last evaluated: 2022-11-15. Review status: criteria provided, single submitter. Criteria: Invitae Variant Classification Sherloc (09022015). Collection method: clinical testing. Allele origin: germline.
Comment: In summary, the available evidence is currently insufficient to determine the role of this variant in disease. Therefore, it has been classified as a Variant of Uncertain Significance. Advanced modeling of protein sequence and biophysical properties (such as structural, functional, and spatial information, amino acid conservation, physicochemical variation, residue mobility, and thermodynamic stability) performed at Invitae indicates that this missense variant is not expected to disrupt DNAAF5 protein function. ClinVar contains an entry for this variant (Variation ID: 946929). This variant has not been reported in the literature in individuals affected with DNAAF5-related conditions. This variant is present in population databases (rs201942359, gnomAD 0.07%). This sequence change replaces alanine, which is neutral and non-polar, with threonine, which is neutral and polar, at codon 459 of the DNAAF5 protein (p.Ala459Thr).

Fulgent Genetics
Classification: Uncertain significance for Primary ciliary dyskinesia 18. Last evaluated: 2022-01-12. Review status: criteria provided, single submitter. Criteria: ACMG Guidelines, 2015. Collection method: clinical testing. Allele origin: unknown.

NM_017802.4(DNAAF5):c.1375G>A (p.Ala459Thr)

Gene: DNAAF5 (dynein axonemal assembly factor 5; plus strand). Cytogenetic location: 7p22.3.
Variant type: single nucleotide variant.
Coding change: c.1375G>A on transcript NM_017802.4 (MANE Select); coding-DNA position 1375, G replaced by A.
Protein change: p.Ala459Thr; replaces alanine 459 with threonine.
Molecular consequence: missense variant. On other transcripts: non-coding transcript variant (1).
Genome position (GRCh38, 1-based): chr7:756,899, G>A. VCF-style: chr7-756899-G-A. GRCh37 (hg19) VCF-style: chr7-796536-G-A.
Other names: p.Ala459Thr; short protein forms A459T.
Identifiers: ClinVar variation 946929 (VCV000946929.7), dbSNP rs201942359, ClinGen allele CA4110704.
Genomic context (GRCh38, chr7:756,899, plus strand): 5'-CTGATCTTATCGACGCTGAAGAAGACGCCCTCTGCCTCCGGCCTCCTGGTGCTGGCCTCC[G>A]CCATGCGGGGTTGCCCCCGAGAAGCCCTCCAGCCGCACCTGGCAGCCATCGCCACAGAGC-3'
Protein context (NP_060272.3, residues 449-469): SASGLLVLAS[Ala459Thr]MRGCPREALQ